The following is an entry in ClinVar:

ClinVar aggregate classification (germline): Conflicting classifications of pathogenicity. Review status: criteria provided, conflicting classifications (1 of 4 stars). 5 submissions from 5 submitters: Uncertain significance (4); Likely benign (1). Last evaluated 2026-03-14.

Conditions:
Myofibrillar myopathy 5. Also called: Filaminopathy (type); FILAMINOPATHY, AUTOSOMAL DOMINANT. Identifiers: Orphanet 171445, MedGen C1836050, MONDO:0012289, OMIM 609524.
Hypertrophic cardiomyopathy 26. Also called: Cardiomyopathy, familial hypertrophic, 26. Identifiers: Orphanet 75249, MedGen C4310749, MONDO:0014883, OMIM 617047.
Distal myopathy with posterior leg and anterior hand involvement. Also called: WILLIAMS DISTAL MYOPATHY. Identifiers: Orphanet 63273, MedGen C3279722, MONDO:0013550, OMIM 614065.
FLNC-related disorder. Also called: FLNC-related disorders; FLNC-related condition.
Cardiovascular phenotype. Identifiers: MedGen CN230736.

Allele frequency attached by ClinVar (database versions not stated): gnomAD 0.00001; gnomAD exomes 0.00003 and 0.00004; TOPMed 0.00003; ExAC 0.00008.

Submissions (5):

PreventionGenetics, part of Exact Sciences
Classification: Uncertain significance for FLNC-related condition. Last evaluated: 2026-03-14. Review status: criteria provided, single submitter. Criteria: ACMG Guidelines, 2015. Collection method: clinical testing. Allele origin: germline.
Comment: The FLNC c.7840G>A variant is predicted to result in the amino acid substitution p.Val2614Met. To our knowledge, this variant has not been reported in the literature. This variant is reported in 0.0064% of alleles in individuals of European (Non-Finnish) descent in gnomAD. At this time, the clinical significance of this variant is uncertain due to the absence of conclusive functional and genetic evidence.

Labcorp Genetics (formerly Invitae), Labcorp
Classification: Uncertain significance for Distal myopathy with posterior leg and anterior hand involvement; Myofibrillar myopathy 5; Hypertrophic cardiomyopathy 26. Last evaluated: 2026-01-12. Review status: criteria provided, single submitter. Criteria: Invitae Variant Classification Sherloc (09022015). Collection method: clinical testing. Allele origin: germline.
Comment: This sequence change replaces valine, which is neutral and non-polar, with methionine, which is neutral and non-polar, at codon 2614 of the FLNC protein (p.Val2614Met). This variant is present in population databases (rs745434129, gnomAD 0.007%). This missense change has been observed in individual(s) with FLNC-related conditions (internal data). ClinVar contains an entry for this variant (Variation ID: 1017007). An algorithm developed to predict the effect of missense changes on protein structure and function outputs the following: PolyPhen-2: "Benign". The methionine amino acid residue is found in multiple mammalian species, which suggests that this missense change does not adversely affect protein function. In summary, the available evidence is currently insufficient to determine the role of this variant in disease. Therefore, it has been classified as a Variant of Uncertain Significance.

Ambry Genetics
Classification: Uncertain significance for Cardiovascular phenotype. Last evaluated: 2023-11-23. Review status: criteria provided, single submitter. Criteria: Ambry Variant Classification Scheme 2023. Collection method: clinical testing. Allele origin: germline.
Comment: The p.V2614M variant (also known as c.7840G>A), located in coding exon 47 of the FLNC gene, results from a G to A substitution at nucleotide position 7840. The valine at codon 2614 is replaced by methionine, an amino acid with highly similar properties. This amino acid position is conserved. In addition, the in silico prediction for this alteration is inconclusive. Since supporting evidence is limited at this time, the clinical significance of this alteration remains unclear.

Mayo Clinic Laboratories, Mayo Clinic
Classification: Uncertain significance. Last evaluated: 2023-08-08. Review status: criteria provided, single submitter. Criteria: ACMG Guidelines, 2015. Collection method: clinical testing. Allele origin: germline. Observed: 1 variant allele.
Comment: BP4_strong

Blueprint Genetics
Classification: Likely benign. Last evaluated: 2019-11-21. Review status: criteria provided, single submitter. Criteria: ACMG Guidelines, 2015. Collection method: clinical testing. Allele origin: germline.

NM_001458.5(FLNC):c.7840G>A (p.Val2614Met)

Genes: FLNC (filamin C; plus strand), FLNC-AS1 (FLNC antisense RNA 1; minus strand). Cytogenetic location: 7q32.1.
Variant type: single nucleotide variant.
Coding change: c.7840G>A on transcript NM_001458.5 (MANE Select); coding-DNA position 7840, G replaced by A.
Protein change: p.Val2614Met; replaces valine 2614 with methionine.
Molecular consequence: missense variant.
Genome position (GRCh38, 1-based): chr7:128,858,067, G>A. VCF-style: chr7-128858067-G-A. GRCh37 (hg19) VCF-style: chr7-128498121-G-A.
Other names: p.Val2614Met; c.7741G>A, p.Val2581Met (NM_001127487.2); short protein forms V2581M, V2614M.
Identifiers: ClinVar variation 1017007 (VCV001017007.13), dbSNP rs745434129, ClinGen allele CA4476373.